The following is an entry in ClinVar:

ClinVar aggregate classification (germline): Likely benign (1 of 4 stars; one submission).

Submission:

CeGaT Center for Human Genetics Tuebingen
Classification: Likely benign. Last evaluated: 2025-05-01. Review status: criteria provided, single submitter. Criteria: CeGaT Center For Human Genetics Tuebingen Variant Classification Criteria Version 2. Collection method: clinical testing. Allele origin: germline. Affected: yes. Observed: 1 variant allele.
Comment: RPL10: BP4, BP7

NM_006013.5(RPL10):c.207A>C (p.Arg69=)

Gene: RPL10 (ribosomal protein L10; plus strand). Cytogenetic location: Xq28.
Variant type: single nucleotide variant.
Coding change: c.207A>C on transcript NM_006013.5 (MANE Select); coding-DNA position 207, A replaced by C.
Protein change: p.Arg69=; no amino-acid change (arginine 69 retained).
Molecular consequence: synonymous variant.
Genome position (GRCh38, 1-based): chrX:154,399,819, A>C. VCF-style: chrX-154399819-A-C. GRCh37 (hg19) VCF-style: chrX-153628160-A-C.
Other names: c.207A>C, p.Arg69= (NM_001256577.2, NM_001303624.2, NM_001303625.1 and 1 more transcripts); c.99A>C, p.Arg33= (NM_001256580.2).
Identifiers: ClinVar variation 3905943 (VCV003905943.10).